The following is an entry in ClinVar:

NM_014989.7(RIMS1):c.*1935A>G

Gene: RIMS1 (regulating synaptic membrane exocytosis 1; plus strand). Cytogenetic location: 6q13.
Variant type: single nucleotide variant.
Coding change: c.*1935A>G on transcript NM_014989.7 (MANE Select); 1935 bases downstream of the stop codon, A replaced by G.
Molecular consequence: 3 prime UTR variant.
Genome position (GRCh38, 1-based): chr6:72,402,649, A>G. VCF-style: chr6-72402649-A-G. GRCh37 (hg19) VCF-style: chr6-73112351-A-G.
Other names: c.*1935A>G (NM_001168407.2, NM_001168408.2, NM_001168409.2 and 60 more transcripts).
Identifiers: ClinVar variation 357889 (VCV000357889.5), dbSNP rs115062476, ClinGen allele CA10627519.
Genomic context (GRCh38, chr6:72,402,649, plus strand): 5'-CACAGATTGACCACTGCTCACCATGCTGAGTAGGAGGAACTGAAGCATTGGTGCACTTCT[A>G]CTAGATTCCGTTCTGTCTTAGTGGCCAACAATCAACTGATTATAATTGGGTAGTATCTTT-3'

ClinVar aggregate classification (germline): Benign (1 of 4 stars; one submission).

Conditions:
Cone-rod dystrophy 7 (CORD7). Identifiers: Orphanet 1872, MedGen C1863634, MONDO:0011355, OMIM 603649.

Allele frequency attached by ClinVar (database versions not stated): 1000 Genomes Project 30x 0.00156; 1000 Genomes Project 0.00160; TOPMed 0.00156; gnomAD 0.00159.

Submission:

Illumina Laboratory Services, Illumina
Classification: Benign for Cone-rod dystrophy 7. Last evaluated: 2018-01-13. Review status: criteria provided, single submitter. Criteria: ICSL Variant Classification Criteria 13 December 2019. Collection method: clinical testing. Allele origin: germline.
Comment: This variant was observed in the ICSL laboratory as part of a predisposition screen in an ostensibly healthy population. It had not been previously curated by ICSL or reported in the Human Gene Mutation Database (HGMD: prior to June 1st, 2018), and was therefore a candidate for classification through an automated scoring system. Utilizing variant allele frequency, disease prevalence and penetrance estimates, and inheritance mode, an automated score was calculated to assess if this variant is too frequent to cause the disease. Based on the score and internal cut-off values, a variant classified as benign is not then subjected to further curation. The score for this variant resulted in a classification of benign for this disease.